The following is an entry in ClinVar:

NM_001042492.3(NF1):c.6319G>A (p.Val2107Ile)

Gene: NF1 (neurofibromin 1; plus strand). Cytogenetic location: 17q11.2.
Variant type: single nucleotide variant.
Coding change: c.6319G>A on transcript NM_001042492.3 (MANE Select); coding-DNA position 6319, G replaced by A.
Protein change: p.Val2107Ile; replaces valine 2107 with isoleucine.
Molecular consequence: missense variant.
Genome position (GRCh38, 1-based): chr17:31,336,806, G>A. VCF-style: chr17-31336806-G-A. GRCh37 (hg19) VCF-style: chr17-29663824-G-A.
Other names: c.6256G>A, p.Val2086Ile (NM_000267.4); short protein forms V2107I, V2086I.
Identifiers: ClinVar variation 1375498 (VCV001375498.16), dbSNP rs2151554822, ClinGen allele CA399012700.

ClinVar aggregate classification (germline): Uncertain significance. Review status: criteria provided, multiple submitters, no conflicts (2 of 4 stars). 2 submissions from 2 submitters: Uncertain significance (2). Last evaluated 2025-09-22.

Conditions:
Neurofibromatosis, type 1 (NF1). Also called: NEUROFIBROMATOSIS, TYPE I, SOMATIC; VON RECKLINGHAUSEN DISEASE; Peripheral type neurofibromatosis; Neurofibromatosis, type I. Identifiers: Orphanet 636, MedGen C0027831, MONDO:0018975, OMIM 162200. Disease mechanism: loss of function.

Submissions (2):

Labcorp Genetics (formerly Invitae), Labcorp
Classification: Uncertain significance for Neurofibromatosis, type 1. Last evaluated: 2025-09-22. Review status: criteria provided, single submitter. Criteria: Invitae Variant Classification Sherloc (09022015). Collection method: clinical testing. Allele origin: germline.
Comment: This sequence change replaces valine, which is neutral and non-polar, with isoleucine, which is neutral and non-polar, at codon 2086 of the NF1 protein (p.Val2086Ile). This variant is not present in population databases (gnomAD no frequency). This variant has not been reported in the literature in individuals affected with NF1-related conditions. ClinVar contains an entry for this variant (Variation ID: 1375498). Invitae Evidence Modeling of protein sequence and biophysical properties (such as structural, functional, and spatial information, amino acid conservation, physicochemical variation, residue mobility, and thermodynamic stability) indicates that this missense variant is not expected to disrupt NF1 protein function with a negative predictive value of 95%. In summary, the available evidence is currently insufficient to determine the role of this variant in disease. Therefore, it has been classified as a Variant of Uncertain Significance.

CeGaT Center for Human Genetics Tuebingen
Classification: Uncertain significance. Last evaluated: 2025-06-01. Review status: criteria provided, single submitter. Criteria: CeGaT Center For Human Genetics Tuebingen Variant Classification Criteria Version 2. Collection method: clinical testing. Allele origin: germline. Affected: yes. Observed: 1 variant allele.
Comment: NF1: PM2, PP2